The following is an entry in ClinVar:

ClinVar aggregate classification (germline): Pathogenic (1 of 4 stars; one submission).

Submission:

GeneDx
Classification: Pathogenic. Last evaluated: 2024-07-10. Review status: criteria provided, single submitter. Criteria: GeneDx Variant Classification Process June 2021. Collection method: clinical testing. Allele origin: germline. Affected: yes.
Comment: Frameshift variant predicted to result in protein truncation or nonsense mediated decay in a gene for which loss of function is a known mechanism of disease; Not observed at significant frequency in large population cohorts (gnomAD); This variant is associated with the following publications: (PMID: 19760747)

NM_004006.3(DMD):c.10115_10116del (p.Phe3372fs)

Gene: DMD (dystrophin; minus strand). Cytogenetic location: Xp21.2.
Variant type: Deletion.
Coding change: c.10115_10116del on transcript NM_004006.3 (MANE Select); coding-DNA positions 10115 to 10116, 2 bases deleted (TT; older notation c.10115_10116delTT).
Protein change: p.Phe3372fs; shifts the reading frame from phenylalanine 3372.
Molecular consequence: frameshift variant.
Genome position (GRCh38, 1-based): chrX:31,178,776-31,178,777, AA deleted on the plus strand (TT on the coding strand, the reverse complement: DMD is on the minus strand); deleting any 2 consecutive bases within chrX:31,178,776-31,178,778 gives the same sequence; the c. name uses the placement nearest the transcript's 3' end. VCF-style (leftmost placement, unchanged base first): chrX-31178775-CAA-C. GRCh37 (hg19) VCF-style: chrX-31196892-CAA-C.
Other names: c.10091_10092del, p.Phe3364fs (NM_000109.4); c.10114_10115delTT, p.Phe3372Cysfs (NM_004006.2); c.10103_10104del, p.Phe3368fs (NM_004009.3); c.9746_9747del, p.Phe3249fs (NM_004010.3); c.6092_6093del, p.Phe2031fs (NM_004011.4); c.6083_6084del, p.Phe2028fs (NM_004012.4); c.2735_2736del, p.Phe912fs (NM_004013.3, NM_004020.4, NM_004021.3 and 2 more transcripts); c.1928_1929del, p.Phe643fs (NM_004014.3); and 1 more; short protein forms F2028fs, F2031fs, F304fs, F3364fs, F3249fs, F3368fs, F643fs, F3372fs.
Identifiers: ClinVar variation 3572454 (VCV003572454.1).
Genomic context (GRCh38, chrX:31,178,775, plus strand): 5'-CCATTCGGGGATGCTTCGCAAAATACCTTTTGGTTCGAAATTTGTTTTTTAGTACCTTGG[CAA>C]AGTCTCGAACATCTTCTCCTGATGTAGTCTAAAAGGGAGATCATGGTGAGATCAGATTTA-3'